The following is an entry in ClinVar:

ClinVar aggregate classification (germline): Uncertain significance. Review status: criteria provided, single submitter (1 of 4 stars). 2 submissions from 2 submitters: Uncertain significance (1). 1 of the submissions does not count toward it. Last evaluated 2024-01-10.

Conditions:
COL4A2-related disorder. Also called: COL4A2-related disorders; COL4A2-related condition.

Submissions (2):

Blueprint Genetics
Classification: Uncertain significance. Last evaluated: 2024-01-10. Review status: criteria provided, single submitter. Criteria: ACMG Guidelines, 2015. Collection method: clinical testing. Allele origin: germline.

PreventionGenetics, part of Exact Sciences
Classification: Uncertain significance for COL4A2-related condition. Last evaluated: 2024-08-14. Review status: no assertion criteria provided. Collection method: clinical testing. Allele origin: germline. Not counted in ClinVar's aggregate classification.
Comment: The COL4A2 c.4677C>A variant is predicted to result in the amino acid substitution p.Ser1559Arg. To our knowledge, this variant has not been reported in the literature or in a large population database, indicating this variant is rare. At this time, the clinical significance of this variant is uncertain due to the absence of conclusive functional and genetic evidence.

NM_001846.4(COL4A2):c.4677C>A (p.Ser1559Arg)

Genes: COL4A2 (collagen type IV alpha 2 chain; plus strand), COL4A2-AS1 (COL4A2 antisense RNA 1; minus strand). Cytogenetic location: 13q34.
Variant type: single nucleotide variant.
Coding change: c.4677C>A on transcript NM_001846.4 (MANE Select); coding-DNA position 4677, C replaced by A.
Protein change: p.Ser1559Arg; replaces serine 1559 with arginine.
Molecular consequence: missense variant.
Genome position (GRCh38, 1-based): chr13:110,508,017, C>A. VCF-style: chr13-110508017-C-A. GRCh37 (hg19) VCF-style: chr13-111160364-C-A.
Other names: short protein forms S1559R.
Identifiers: ClinVar variation 3353450 (VCV003353450.2).